The following is an entry in ClinVar:

NM_015272.5(RPGRIP1L):c.151G>C (p.Glu51Gln)

Gene: RPGRIP1L (RPGRIP1 like; minus strand). Cytogenetic location: 16q12.2.
Variant type: single nucleotide variant.
Coding change: c.151G>C on transcript NM_015272.5 (MANE Select); coding-DNA position 151, G replaced by C.
Protein change: p.Glu51Gln; replaces glutamic acid 51 with glutamine.
Molecular consequence: missense variant.
Genome position (GRCh38, 1-based): chr16:53,696,230, C>G on the plus strand (G>C on the coding strand, the complement: RPGRIP1L is on the minus strand). VCF-style: chr16-53696230-C-G. GRCh37 (hg19) VCF-style: chr16-53730142-C-G.
Other names: c.151G>C, p.Glu51Gln (NM_001127897.4, NM_001308334.3, NM_001328422.2 and 2 more transcripts); short protein forms E51Q.
Identifiers: ClinVar variation 3349734 (VCV003349734.1).

ClinVar aggregate classification (germline): Uncertain significance (0 of 4 stars; one submission).

Conditions:
RPGRIP1L-related disorder. Also called: RPGRIP1L-related condition; RPGRIP1L-related disorders. Identifiers: MedGen CN239416.

gnomAD v4.1: 1 of 1,614,066 alleles (0.000062%); highest among the groups gnomAD compares: Admixed American, 0.0017%; no homozygotes.

Submission:

PreventionGenetics, part of Exact Sciences
Classification: Uncertain significance for RPGRIP1L-related condition. Last evaluated: 2023-11-15. Review status: no assertion criteria provided. Collection method: clinical testing. Allele origin: germline.
Comment: The RPGRIP1L c.151G>C variant is predicted to result in the amino acid substitution p.Glu51Gln. To our knowledge, this variant has not been reported in the literature or in a large population database, indicating this variant is rare. At this time, the clinical significance of this variant is uncertain due to the absence of conclusive functional and genetic evidence.